The following is an entry in ClinVar:

NM_020975.6(RET):c.839G>T (p.Ser280Ile)

Gene: RET (ret proto-oncogene; plus strand). Cytogenetic location: 10q11.21.
Variant type: single nucleotide variant.
Coding change: c.839G>T on transcript NM_020975.6 (MANE Select); coding-DNA position 839, G replaced by T.
Protein change: p.Ser280Ile; replaces serine 280 with isoleucine.
Molecular consequence: missense variant. On other transcripts: intron variant (22).
Genome position (GRCh38, 1-based): chr10:43,105,165, G>T. VCF-style: chr10-43105165-G-T. GRCh37 (hg19) VCF-style: chr10-43600613-G-T.
Other names: c.77G>T, p.Ser26Ile (NM_001355216.2); c.839G>T, p.Ser280Ile (NM_001406743.1, NM_001406744.1, NM_001406759.1 and 6 more transcripts); c.710G>T, p.Ser237Ile (NM_001406761.1, NM_001406762.1, NM_001406764.1 and 2 more transcripts); c.551G>T, p.Ser184Ile (NM_001406766.1, NM_001406767.1, NM_001406770.1); c.625+2536G>T (NM_001406773.1, NM_001406771.1, NM_001406782.1 and 5 more transcripts); c.496+2536G>T (NM_001406786.1, NM_001406783.1); c.338-3866G>T (NM_001406778.1, NM_001406775.1, NM_001406776.1 and 1 more transcripts); c.337+4443G>T (NM_001406790.1, NM_001406788.1, NM_001406789.1 and 1 more transcripts); and 2 more; short protein forms S184I, S26I, S280I, S237I.
Identifiers: ClinVar variation 3723013 (VCV003723013.2).

ClinVar aggregate classification (germline): Uncertain significance (1 of 4 stars; one submission).

Conditions:
Multiple endocrine neoplasia, type 2 (MEN2). Identifiers: Orphanet 653, MedGen C4048306, MONDO:0019003. Disease mechanism: gain of function.

Submission:

Labcorp Genetics (formerly Invitae), Labcorp
Classification: Uncertain significance for Multiple endocrine neoplasia, type 2. Last evaluated: 2024-10-16. Review status: criteria provided, single submitter. Criteria: Invitae Variant Classification Sherloc (09022015). Collection method: clinical testing. Allele origin: germline.
Comment: This sequence change replaces serine, which is neutral and polar, with isoleucine, which is neutral and non-polar, at codon 280 of the RET protein (p.Ser280Ile). This variant is not present in population databases (gnomAD no frequency). This variant has not been reported in the literature in individuals affected with RET-related conditions. An algorithm developed to predict the effect of missense changes on protein structure and function (PolyPhen-2) suggests that this variant is likely to be tolerated. In summary, the available evidence is currently insufficient to determine the role of this variant in disease. Therefore, it has been classified as a Variant of Uncertain Significance.